The following is an entry in ClinVar:

NM_001844.5(COL2A1):c.2219C>T (p.Pro740Leu)

Gene: COL2A1 (collagen type II alpha 1 chain; minus strand). Cytogenetic location: 12q13.11.
Variant type: single nucleotide variant.
Coding change: c.2219C>T on transcript NM_001844.5 (MANE Select); coding-DNA position 2219, C replaced by T.
Protein change: p.Pro740Leu; replaces proline 740 with leucine.
Molecular consequence: missense variant.
Genome position (GRCh38, 1-based): chr12:47,982,584, G>A on the plus strand (C>T on the coding strand, the complement: COL2A1 is on the minus strand). VCF-style: chr12-47982584-G-A. GRCh37 (hg19) VCF-style: chr12-48376367-G-A.
Other names: c.2012C>T, p.Pro671Leu (NM_033150.3); short protein forms P671L, P740L.
Identifiers: ClinVar variation 1999595 (VCV001999595.4), dbSNP rs774819000, ClinGen allele CA384546245.

ClinVar aggregate classification (germline): Uncertain significance (1 of 4 stars; one submission).

Submission:

Labcorp Genetics (formerly Invitae), Labcorp
Classification: Uncertain significance. Last evaluated: 2023-08-30. Review status: criteria provided, single submitter. Criteria: Invitae Variant Classification Sherloc (09022015). Collection method: clinical testing. Allele origin: germline.
Comment: This sequence change replaces proline, which is neutral and non-polar, with leucine, which is neutral and non-polar, at codon 740 of the COL2A1 protein (p.Pro740Leu). This variant is not present in population databases (gnomAD no frequency). This variant has not been reported in the literature in individuals affected with COL2A1-related conditions. ClinVar contains an entry for this variant (Variation ID: 1999595). Advanced modeling of protein sequence and biophysical properties (such as structural, functional, and spatial information, amino acid conservation, physicochemical variation, residue mobility, and thermodynamic stability) performed at Invitae indicates that this missense variant is not expected to disrupt COL2A1 protein function. In summary, the available evidence is currently insufficient to determine the role of this variant in disease. Therefore, it has been classified as a Variant of Uncertain Significance.